The following is an entry in ClinVar:

NM_002439.5(MSH3):c.3316T>A (p.Tyr1106Asn)

Gene: MSH3 (mutS homolog 3; plus strand). Cytogenetic location: 5q14.1.
Variant type: single nucleotide variant.
Coding change: c.3316T>A on transcript NM_002439.5 (MANE Select); coding-DNA position 3316, T replaced by A.
Protein change: p.Tyr1106Asn; replaces tyrosine 1106 with asparagine.
Molecular consequence: missense variant.
Genome position (GRCh38, 1-based): chr5:80,875,764, T>A. VCF-style: chr5-80875764-T-A. GRCh37 (hg19) VCF-style: chr5-80171583-T-A.
Other names: short protein forms Y1106N.
Identifiers: ClinVar variation 2087482 (VCV002087482.4), dbSNP rs2478808778, ClinGen allele CA360347289.

ClinVar aggregate classification (germline): Uncertain significance (1 of 4 stars; one submission).

Submission:

Labcorp Genetics (formerly Invitae), Labcorp
Classification: Uncertain significance. Last evaluated: 2023-07-10. Review status: criteria provided, single submitter. Criteria: Invitae Variant Classification Sherloc (09022015). Collection method: clinical testing. Allele origin: germline.
Comment: This sequence change replaces tyrosine, which is neutral and polar, with asparagine, which is neutral and polar, at codon 1106 of the MSH3 protein (p.Tyr1106Asn). This variant is not present in population databases (gnomAD no frequency). This variant has not been reported in the literature in individuals affected with MSH3-related conditions. ClinVar contains an entry for this variant (Variation ID: 2087482). An algorithm developed to predict the effect of missense changes on protein structure and function (PolyPhen-2) suggests that this variant is likely to be tolerated. In summary, the available evidence is currently insufficient to determine the role of this variant in disease. Therefore, it has been classified as a Variant of Uncertain Significance.